The following is an entry in ClinVar:

NM_206933.4(USH2A):c.13710del (p.Glu4571fs)

Gene: USH2A (usherin; minus strand). Cytogenetic location: 1q41.
Variant type: Deletion.
Coding change: c.13710del on transcript NM_206933.4 (MANE Select); coding-DNA position 13710, one base deleted (T; older notation c.13710delT).
Protein change: p.Glu4571fs; shifts the reading frame from glutamic acid 4571.
Molecular consequence: frameshift variant.
Genome position (GRCh38, 1-based): chr1:215,674,201, A deleted on the plus strand (T on the coding strand, the reverse complement: USH2A is on the minus strand). VCF-style (leftmost placement, unchanged base first): chr1-215674200-CA-C. GRCh37 (hg19) VCF-style: chr1-215847542-CA-C.
Other names: short protein forms E4571fs.
Identifiers: ClinVar variation 4880520 (VCV004880520.2).
Genomic context (GRCh38, chr1:215,674,200, plus strand): 5'-TACCAAAAGAATTATGAGTTGTGTTTATGTGTATGATTTTAGTTTCTCTTTCAAATAGTT[CA>C]CGGATGAAGAGGGTATAATTGATGATATCACCATTTGTTCTCACTGGAGGGTCCCAGTTC-3'

ClinVar aggregate classification (germline): Likely pathogenic (1 of 4 stars; one submission).

Conditions:
Usher syndrome type 2A. Also called: USHER SYNDROME, TYPE IIA; RETINAL DISEASE IN USHER SYNDROME TYPE IIA, MODIFIER OF. Identifiers: Orphanet 231178, Orphanet 886, MedGen C1848634, MONDO:0010169, OMIM 276901.

Submission:

Dasa
Classification: Likely pathogenic for Usher syndrome type 2A. Last evaluated: 2025-11-21. Review status: criteria provided, single submitter. Criteria: DASA Assertion Criteria. Collection method: clinical testing. Allele origin: germline.
Comment: NM_206933.4(USH2A):c.13710del (p.Glu4571Asnfs*12) is a frameshift variant in USH2A predicted to alter the reading frame and introduce a premature termination codon and is predicted to result in an absent or altered protein product. Loss of function is an established disease mechanism for USH2A-associated disorders. Also, this variant is absent from population databases. Based on the currently available evidence, this variant is classified as likely pathogenic.